The following is an entry in ClinVar:

NM_000135.4(FANCA):c.1049G>T (p.Arg350Leu)

Gene: FANCA (FA complementation group A; minus strand). Cytogenetic location: 16q24.3.
Variant type: single nucleotide variant.
Coding change: c.1049G>T on transcript NM_000135.4 (MANE Select); coding-DNA position 1049, G replaced by T.
Protein change: p.Arg350Leu; replaces arginine 350 with leucine.
Molecular consequence: missense variant.
Genome position (GRCh38, 1-based): chr16:89,792,505, C>A on the plus strand (G>T on the coding strand, the complement: FANCA is on the minus strand). VCF-style: chr16-89792505-C-A. GRCh37 (hg19) VCF-style: chr16-89858913-C-A.
Other names: c.1049G>T, p.Arg350Leu (NM_001286167.3); c.1049G>T (NM_000135.2); short protein forms R350L.
Identifiers: ClinVar variation 439689 (VCV000439689.17), dbSNP rs199967286, ClinGen allele CA397466709.

ClinVar aggregate classification (germline): Uncertain significance. Review status: criteria provided, multiple submitters, no conflicts (2 of 4 stars). 6 submissions from 6 submitters: Uncertain significance (5). 1 of the submissions does not count toward it. Last evaluated 2024-11-18.

Conditions:
Fanconi anemia (FA). Also called: Fanconi's anemia. Identifiers: Orphanet 84, MedGen C0015625, MeSH D005199, MONDO:0019391.
Inborn genetic diseases. Identifiers: MedGen C0950123, MeSH D030342.
Fanconi anemia complementation group A (FANCA). Also called: Fanconi anemia, group A; FANCA-Related Fanconi Anemia. Identifiers: Orphanet 84, MedGen C3469521, MONDO:0009215, OMIM 227650.

gnomAD v4.1: 39 of 1,613,430 alleles (0.0024%); highest among the groups gnomAD compares: Non-Finnish European, 0.0033%; no homozygotes.

Submissions (6):

Ambry Genetics
Classification: Uncertain significance for Inborn genetic diseases. Last evaluated: 2024-11-18. Review status: criteria provided, single submitter. Criteria: Ambry Variant Classification Scheme 2023. Collection method: clinical testing. Allele origin: germline.
Comment: The p.R350L variant (also known as c.1049G>T), located in coding exon 12 of the FANCA gene, results from a G to T substitution at nucleotide position 1049. The arginine at codon 350 is replaced by leucine, an amino acid with dissimilar properties. This amino acid position is conserved. In addition, this alteration is predicted to be tolerated by in silico analysis. Based on the available evidence, the clinical significance of this variant remains unclear.

Labcorp Genetics (formerly Invitae), Labcorp
Classification: Uncertain significance for Fanconi anemia. Last evaluated: 2022-09-10. Review status: criteria provided, single submitter. Criteria: Invitae Variant Classification Sherloc (09022015). Collection method: clinical testing. Allele origin: germline.
Comment: This sequence change replaces arginine, which is basic and polar, with leucine, which is neutral and non-polar, at codon 350 of the FANCA protein (p.Arg350Leu). This variant is present in population databases (no rsID available, gnomAD 0.005%). This variant has not been reported in the literature in individuals affected with FANCA-related conditions. ClinVar contains an entry for this variant (Variation ID: 439689). Advanced modeling of protein sequence and biophysical properties (such as structural, functional, and spatial information, amino acid conservation, physicochemical variation, residue mobility, and thermodynamic stability) performed at Invitae indicates that this missense variant is expected to disrupt FANCA protein function. In summary, the available evidence is currently insufficient to determine the role of this variant in disease. Therefore, it has been classified as a Variant of Uncertain Significance.

Fulgent Genetics
Classification: Uncertain significance for Fanconi anemia complementation group A. Last evaluated: 2022-05-17. Review status: criteria provided, single submitter. Criteria: ACMG Guidelines, 2015. Collection method: clinical testing. Allele origin: unknown.

Genetic Services Laboratory, University of Chicago
Classification: Uncertain significance. Last evaluated: 2019-09-23. Review status: criteria provided, single submitter. Criteria: ACMG Guidelines, 2015. Collection method: clinical testing. Allele origin: germline. Affected: no.

ARUP Laboratories, Molecular Genetics and Genomics, ARUP Laboratories
Classification: Uncertain significance. Last evaluated: 2017-04-11. Review status: criteria provided, single submitter. Criteria: ARUP Molecular Germline Variant Investigation Process. Collection method: clinical testing. Allele origin: germline.

Natera, Inc.
Classification: Uncertain significance for Fanconi anemia, group A. Last evaluated: 2019-10-28. Review status: no assertion criteria provided. Collection method: clinical testing. Allele origin: germline. Not counted in ClinVar's aggregate classification.